The following is an entry in ClinVar:

ClinVar aggregate classification (germline): Uncertain significance (1 of 4 stars; one submission).

Allele frequency attached by ClinVar (database versions not stated): gnomAD 0.00001; ExAC 0.00002; gnomAD exomes 0.00002; TOPMed 0.00002.
gnomAD v4.1: 37 of 1,614,036 alleles (0.0023%); highest among the groups gnomAD compares: Non-Finnish European, 0.0031%; no homozygotes.

Submission:

Labcorp Genetics (formerly Invitae), Labcorp
Classification: Uncertain significance. Last evaluated: 2022-01-17. Review status: criteria provided, single submitter. Criteria: Invitae Variant Classification Sherloc (09022015). Collection method: clinical testing. Allele origin: germline.
Comment: This sequence change replaces aspartic acid, which is acidic and polar, with asparagine, which is neutral and polar, at codon 565 of the HPS5 protein (p.Asp565Asn). In summary, the available evidence is currently insufficient to determine the role of this variant in disease. Therefore, it has been classified as a Variant of Uncertain Significance. Algorithms developed to predict the effect of missense changes on protein structure and function are either unavailable or do not agree on the potential impact of this missense change (SIFT: "Tolerated"; PolyPhen-2: "Possibly Damaging"; Align-GVGD: "Class C0"). This variant has not been reported in the literature in individuals affected with HPS5-related conditions. This variant is present in population databases (rs770928566, gnomAD 0.004%).

NM_181507.2(HPS5):c.1693G>A (p.Asp565Asn)

Gene: HPS5 (HPS5 biogenesis of lysosomal organelles complex 2 subunit 2; minus strand). Cytogenetic location: 11p15.1.
Variant type: single nucleotide variant.
Coding change: c.1693G>A on transcript NM_181507.2 (MANE Select); coding-DNA position 1693, G replaced by A.
Protein change: p.Asp565Asn; replaces aspartic acid 565 with asparagine.
Molecular consequence: missense variant.
Genome position (GRCh38, 1-based): chr11:18,295,111, C>T on the plus strand (G>A on the coding strand, the complement: HPS5 is on the minus strand). VCF-style: chr11-18295111-C-T. GRCh37 (hg19) VCF-style: chr11-18316658-C-T.
Other names: c.1351G>A, p.Asp451Asn (NM_007216.4, NM_181508.2); short protein forms D451N, D565N.
Identifiers: ClinVar variation 1351871 (VCV001351871.6), dbSNP rs770928566, ClinGen allele CA5910034.